The following is an entry in ClinVar:

NM_000535.7(PMS2):c.10G>A (p.Ala4Thr)

Gene: PMS2 (PMS1 homolog 2, mismatch repair system component; minus strand). Cytogenetic location: 7p22.1.
Variant type: single nucleotide variant.
Coding change: c.10G>A on transcript NM_000535.7 (MANE Select); coding-DNA position 10, G replaced by A.
Protein change: p.Ala4Thr; replaces alanine 4 with threonine.
Molecular consequence: missense variant. On other transcripts: 5 prime UTR variant (11), non-coding transcript variant (1).
Genome position (GRCh38, 1-based): chr7:6,009,010, C>T on the plus strand (G>A on the coding strand, the complement: PMS2 is on the minus strand). VCF-style: chr7-6009010-C-T. GRCh37 (hg19) VCF-style: chr7-6048641-C-T.
Other names: c.-391G>A (NM_001018040.1, NM_001322003.2, NM_001322013.2 and 5 more transcripts); c.-256G>A (NM_001322004.2, NM_001322010.2, NM_001406911.1); c.-586G>A (NM_001322005.2); c.10G>A, p.Ala4Thr (NM_001322006.2, NM_001322014.2, NM_001406866.1 and 11 more transcripts); c.-206G>A (NM_001322007.2, NM_001406876.1, NM_001406896.1 and 2 more transcripts); c.-66G>A (NM_001322008.2); c.-581G>A (NM_001322009.2, NM_001406897.1); c.-875G>A (NM_001322011.2); and 19 more; short protein forms A4T.
Identifiers: ClinVar variation 1792088 (VCV001792088.5), dbSNP rs1786257764, ClinGen allele CA366745242.
Genomic context (GRCh38, chr7:6,009,010, plus strand): 5'-AGAGGGCGCGCGAGAGGGGACACCGGAAGACTGCGAGCCCCGCTCACCTCGAGCTCTCAG[C>T]TCGCTCCATGGATGCAACACCCGATCCGCCTCGGGGACTGGGAAAGTTCCCTCCAGGGCT-3'
Protein context (NP_000526.2, residues 1-14): MER[Ala4Thr]ESSSTEPAKA

ClinVar aggregate classification (germline): Uncertain significance. Review status: criteria provided, multiple submitters, no conflicts (2 of 4 stars). 2 submissions from 2 submitters: Uncertain significance (2). Last evaluated 2024-02-13.

Conditions:
Hereditary cancer-predisposing syndrome. Also called: Hereditary Cancer Syndrome; Hereditary neoplastic syndrome; Tumor predisposition; Neoplastic Syndromes, Hereditary. Identifiers: Orphanet 140162, MedGen C0027672, MeSH D009386, MONDO:0015356.
Hereditary nonpolyposis colorectal neoplasms. Identifiers: MedGen C0009405, MeSH D003123.

Submissions (2):

Ambry Genetics
Classification: Uncertain significance for Hereditary cancer-predisposing syndrome. Last evaluated: 2024-02-13. Review status: criteria provided, single submitter. Criteria: Ambry Variant Classification Scheme 2023. Collection method: clinical testing. Allele origin: germline.
Comment: The p.A4T variant (also known as c.10G>A), located in coding exon 1 of the PMS2 gene, results from a G to A substitution at nucleotide position 10. The alanine at codon 4 is replaced by threonine, an amino acid with similar properties. This amino acid position is not well conserved in available vertebrate species. In addition, the in silico prediction for this alteration is inconclusive. Since supporting evidence is limited at this time, the clinical significance of this alteration remains unclear.

Labcorp Genetics (formerly Invitae), Labcorp
Classification: Uncertain significance for Hereditary nonpolyposis colorectal neoplasms. Last evaluated: 2023-11-01. Review status: criteria provided, single submitter. Criteria: Invitae Variant Classification Sherloc (09022015). Collection method: clinical testing. Allele origin: germline.
Comment: This sequence change replaces alanine, which is neutral and non-polar, with threonine, which is neutral and polar, at codon 4 of the PMS2 protein (p.Ala4Thr). This variant is not present in population databases (gnomAD no frequency). This variant has not been reported in the literature in individuals affected with PMS2-related conditions. ClinVar contains an entry for this variant (Variation ID: 1792088). Advanced modeling of protein sequence and biophysical properties (such as structural, functional, and spatial information, amino acid conservation, physicochemical variation, residue mobility, and thermodynamic stability) performed at Invitae indicates that this missense variant is not expected to disrupt PMS2 protein function with a negative predictive value of 95%. In summary, the available evidence is currently insufficient to determine the role of this variant in disease. Therefore, it has been classified as a Variant of Uncertain Significance.